The following is an entry in ClinVar:

NM_005732.4(RAD50):c.2842A>G (p.Lys948Glu)

Gene: RAD50 (RAD50 double strand break repair protein; plus strand). Cytogenetic location: 5q31.1.
Variant type: single nucleotide variant.
Coding change: c.2842A>G on transcript NM_005732.4 (MANE Select); coding-DNA position 2842, A replaced by G.
Protein change: p.Lys948Glu; replaces lysine 948 with glutamic acid.
Molecular consequence: missense variant.
Genome position (GRCh38, 1-based): chr5:132,609,129, A>G. VCF-style: chr5-132609129-A-G. GRCh37 (hg19) VCF-style: chr5-131944821-A-G.
Other names: short protein forms K948E.
Identifiers: ClinVar variation 1470900 (VCV001470900.10), dbSNP rs1484655136, ClinGen allele CA360959409.
Genomic context (GRCh38, chr5:132,609,129, plus strand): 5'-GTGCCCTTAAGTACAACCAGTGTAAATTTAATGAATATTTTTCTACAGCTGAATGATATT[A>G]AAGAGAAGGTTAAAAATATTCATGGCTATATGAAAGACATTGAGAATTATATTCAAGATG-3'
Protein context (NP_005723.2, residues 938-958): KIAQDKLNDI[Lys948Glu]EKVKNIHGYM

ClinVar aggregate classification (germline): Uncertain significance. Review status: criteria provided, multiple submitters, no conflicts (2 of 4 stars). 2 submissions from 2 submitters: Uncertain significance (2). Last evaluated 2024-02-16.

Conditions:
Hereditary cancer-predisposing syndrome. Also called: Tumor predisposition; Hereditary Cancer Syndrome; Hereditary neoplastic syndrome; Neoplastic Syndromes, Hereditary. Identifiers: Orphanet 140162, MedGen C0027672, MeSH D009386, MONDO:0015356.

Allele frequency attached by ClinVar (database versions not stated): TOPMed below 0.00001; gnomAD 0.00001.
gnomAD v4.1: 1 of 1,611,424 alleles (0.000062%); highest among the groups gnomAD compares: Non-Finnish European, 0.000085%; no homozygotes.

Submissions (2):

Ambry Genetics
Classification: Uncertain significance for Hereditary cancer-predisposing syndrome. Last evaluated: 2024-02-16. Review status: criteria provided, single submitter. Criteria: Ambry Variant Classification Scheme 2023. Collection method: clinical testing. Allele origin: germline.
Comment: The p.K948E variant (also known as c.2842A>G), located in coding exon 18 of the RAD50 gene, results from an A to G substitution at nucleotide position 2842. The lysine at codon 948 is replaced by glutamic acid, an amino acid with similar properties. This amino acid position is well conserved in available vertebrate species. In addition, this alteration is predicted to be tolerated by in silico analysis. Since supporting evidence is limited at this time, the clinical significance of this alteration remains unclear.

Labcorp Genetics (formerly Invitae), Labcorp
Classification: Uncertain significance for Hereditary cancer-predisposing syndrome. Last evaluated: 2022-02-02. Review status: criteria provided, single submitter. Criteria: Invitae Variant Classification Sherloc (09022015). Collection method: clinical testing. Allele origin: germline.
Comment: This sequence change replaces lysine, which is basic and polar, with glutamic acid, which is acidic and polar, at codon 948 of the RAD50 protein (p.Lys948Glu). This variant is not present in population databases (gnomAD no frequency). This variant has not been reported in the literature in individuals affected with RAD50-related conditions. Algorithms developed to predict the effect of missense changes on protein structure and function (SIFT, PolyPhen-2, Align-GVGD) all suggest that this variant is likely to be tolerated. In summary, the available evidence is currently insufficient to determine the role of this variant in disease. Therefore, it has been classified as a Variant of Uncertain Significance.